The following is an entry in ClinVar:

ClinVar aggregate classification (germline): Likely benign (1 of 4 stars; one submission).

Submission:

GeneDx
Classification: Likely benign. Last evaluated: 2018-01-04. Review status: criteria provided, single submitter. Criteria: GeneDx Variant Classification (06012015). Collection method: clinical testing. Allele origin: germline. Affected: yes.
Comment: This variant is considered likely benign or benign based on one or more of the following criteria: it is a conservative change, it occurs at a poorly conserved position in the protein, it is predicted to be benign by multiple in silico algorithms, and/or has population frequency not consistent with disease.

NM_006231.4(POLE):c.6005-13T>C

Gene: POLE (DNA polymerase epsilon, catalytic subunit; minus strand). Cytogenetic location: 12q24.33.
Variant type: single nucleotide variant.
Coding change: c.6005-13T>C on transcript NM_006231.4 (MANE Select); 13 bases into the intron before coding-DNA position 6005, T replaced by C.
Molecular consequence: intron variant.
Genome position (GRCh38, 1-based): chr12:132,632,808, A>G on the plus strand (T>C on the coding strand, the complement: POLE is on the minus strand). VCF-style: chr12-132632808-A-G. GRCh37 (hg19) VCF-style: chr12-133209394-A-G.
Identifiers: ClinVar variation 514578 (VCV000514578.1), dbSNP rs1555221027, ClinGen allele CA658798014.